The following is an entry in ClinVar:

NM_002458.3(MUC5B):c.6917T>C (p.Ile2306Thr)

Genes: MUC5B (mucin 5B, oligomeric mucus/gel-forming; plus strand), MUC5B-AS1 (MUC5B antisense RNA 1; minus strand). Cytogenetic location: 11p15.5.
Variant type: single nucleotide variant.
Coding change: c.6917T>C on transcript NM_002458.3 (MANE Select); coding-DNA position 6917, T replaced by C.
Protein change: p.Ile2306Thr; replaces isoleucine 2306 with threonine.
Molecular consequence: missense variant.
Genome position (GRCh38, 1-based): chr11:1,243,797, T>C. VCF-style: chr11-1243797-T-C. GRCh37 (hg19) VCF-style: chr11-1265027-T-C.
Other names: c.6917T>C (NM_002458.2); short protein forms I2306T.
Identifiers: ClinVar variation 2641226 (VCV002641226.25), dbSNP rs186145569, ClinGen allele CA5806189.
Genomic context (GRCh38, chr11:1,243,797, plus strand): 5'-CCACACCCAGCAAGACCCGCACCTCGACCCTGCTGCCCAGCAGCCCCACATCGGCCCCCA[T>C]AACCACGGTGGTGACCATGGGCTGTGAGCCCCAGTGTGCCTGGTCAGAGTGGCTGGACTA-3'
Protein context (NP_002449.2, residues 2296-2316): LLPSSPTSAP[Ile2306Thr]TTVVTMGCEP

ClinVar aggregate classification (germline): Likely benign. Review status: criteria provided, multiple submitters, no conflicts (2 of 4 stars). 2 submissions from 2 submitters: Likely benign (2). Last evaluated 2025-08-12.

Allele frequency attached by ClinVar (database versions not stated): 1000 Genomes Project 30x 0.00078; ESP Exome Variant Server 0.00081; TOPMed 0.00095; 1000 Genomes Project 0.00100; gnomAD 0.00130; gnomAD exomes 0.00148; ExAC 0.00155.
gnomAD v4.1: 2,340 of 1,611,600 alleles (0.15%); highest among the groups gnomAD compares: Non-Finnish European, 0.16%; 7 homozygotes.

Submissions (2):

Ambry Genetics
Classification: Likely benign. Last evaluated: 2025-08-12. Review status: criteria provided, single submitter. Criteria: Ambry Variant Classification Scheme 2023. Collection method: clinical testing. Allele origin: germline.

CeGaT Center for Human Genetics Tuebingen
Classification: Likely benign. Last evaluated: 2023-09-01. Review status: criteria provided, single submitter. Criteria: CeGaT Center For Human Genetics Tuebingen Variant Classification Criteria Version 2. Collection method: clinical testing. Allele origin: germline. Affected: yes. Observed: 1 variant allele.
Comment: MUC5B: BP4, BS1